The following is an entry in ClinVar:

ClinVar aggregate classification (germline): Pathogenic (1 of 4 stars; one submission).

Conditions:
Familial focal epilepsy with variable foci (FPEVF). Identifiers: Orphanet 98820, MedGen C1858477, MONDO:0020310.

Submission:

Labcorp Genetics (formerly Invitae), Labcorp
Classification: Pathogenic for Familial focal epilepsy with variable foci. Last evaluated: 2021-04-01. Review status: criteria provided, single submitter. Criteria: Invitae Variant Classification Sherloc (09022015). Collection method: clinical testing. Allele origin: germline.
Comment: For these reasons, this variant has been classified as Pathogenic. This variant has not been reported in the literature in individuals with DEPDC5-related conditions. This variant is not present in population databases (ExAC no frequency). This sequence change creates a premature translational stop signal (p.His1242Thrfs*54) in the DEPDC5 gene. It is expected to result in an absent or disrupted protein product. Loss-of-function variants in DEPDC5 are known to be pathogenic (PMID: 23542697, 23542701).

Literature cited by the submitters: PubMed 23542697; PubMed 23542701.

NM_001242896.3(DEPDC5):c.3723dup (p.His1242fs)

Gene: DEPDC5 (DEP domain containing 5, GATOR1 subcomplex subunit; plus strand). Cytogenetic location: 22q12.3.
Variant type: Duplication.
Coding change: c.3723dup on transcript NM_001242896.3 (MANE Select); coding-DNA position 3723, one base duplicated (A; older notation c.3723dupA).
Protein change: p.His1242fs; shifts the reading frame from histidine 1242.
Molecular consequence: frameshift variant. On other transcripts: non-coding transcript variant (2).
Genome position (GRCh38, 1-based): chr22:31,876,183, A duplicated. VCF-style (leftmost placement, unchanged base first): chr22-31876182-C-CA. GRCh37 (hg19) VCF-style: chr22-32272168-C-CA.
Other names: c.3696dup, p.His1233fs (NM_001136029.4); c.3423dup, p.His1142fs (NM_001242897.2); c.3657dup, p.His1220fs (NM_001363852.2, NM_001364320.2); c.3489dup, p.His1164fs (NM_001363854.2, NM_001364319.2); c.3723dup, p.His1242fs (NM_001364318.2); c.3639dup, p.His1214fs (NM_001369901.1, NM_001369902.1); c.3630dup, p.His1211fs (NM_001369903.1, NM_014662.6); short protein forms H1211fs, H1142fs, H1164fs, H1233fs, H1220fs, H1214fs, H1242fs.
Identifiers: ClinVar variation 1368087 (VCV001368087.6), dbSNP rs2149267113, ClinGen allele CA2573158005.
Genomic context (GRCh38, chr22:31,876,182, plus strand): 5'-CTGCAGGAATTTCAGAGTTTCAATGTCTCTCCTAGAAAATGCTGGAAGAGCAGCTCATCA[C>CA]ACATGCATCTGGCGAAGCCTGGCGGACCTTCATCTACGGCTTCTATTTCTACAAGATAGT-3'